The following is an entry in ClinVar:

ClinVar aggregate classification (germline): Uncertain significance (1 of 4 stars; one submission).

Conditions:
Glanzmann thrombasthenia. Also called: PLATELET GLYCOPROTEIN IIb-IIIa DEFICIENCY; BLEEDING DISORDER, PLATELET-TYPE, 2; THROMBASTHENIA OF GLANZMANN AND NAEGELI; Thrombasthenia; Glanzmann's thrombasthenia. Identifiers: Orphanet 849, MedGen C0040015, MONDO:0100326.

Allele frequency attached by ClinVar (database versions not stated): TOPMed 0.00001.

Submission:

Labcorp Genetics (formerly Invitae), Labcorp
Classification: Uncertain significance for Glanzmann thrombasthenia. Last evaluated: 2023-11-24. Review status: criteria provided, single submitter. Criteria: Invitae Variant Classification Sherloc (09022015). Collection method: clinical testing. Allele origin: germline.
Comment: This sequence change replaces glycine, which is neutral and non-polar, with glutamic acid, which is acidic and polar, at codon 296 of the ITGA2B protein (p.Gly296Glu). This variant is not present in population databases (gnomAD no frequency). This variant has not been reported in the literature in individuals affected with ITGA2B-related conditions. Advanced modeling of protein sequence and biophysical properties (such as structural, functional, and spatial information, amino acid conservation, physicochemical variation, residue mobility, and thermodynamic stability) has been performed at Invitae for this missense variant, however the output from this modeling did not meet the statistical confidence thresholds required to predict the impact of this variant on ITGA2B protein function. This variant disrupts the p.Gly296 amino acid residue in ITGA2B. Other variant(s) that disrupt this residue have been observed in individuals with ITGA2B-related conditions (PMID: 16463284; Invitae), which suggests that this may be a clinically significant amino acid residue. In summary, the available evidence is currently insufficient to determine the role of this variant in disease. Therefore, it has been classified as a Variant of Uncertain Significance.

Literature cited by the submitters: PubMed 16463284.

NM_000419.5(ITGA2B):c.887G>A (p.Gly296Glu)

Gene: ITGA2B (integrin subunit alpha 2b; minus strand). Cytogenetic location: 17q21.31.
Variant type: single nucleotide variant.
Coding change: c.887G>A on transcript NM_000419.5 (MANE Select); coding-DNA position 887, G replaced by A.
Protein change: p.Gly296Glu; replaces glycine 296 with glutamic acid.
Molecular consequence: missense variant.
Genome position (GRCh38, 1-based): chr17:44,384,315, C>T on the plus strand (G>A on the coding strand, the complement: ITGA2B is on the minus strand). VCF-style: chr17-44384315-C-T. GRCh37 (hg19) VCF-style: chr17-42461683-C-T.
Other names: short protein forms G296E.
Identifiers: ClinVar variation 2903191 (VCV002903191.3), dbSNP rs2048624107, ClinGen allele CA399804950.